The following is an entry in ClinVar:

NM_001204375.2(NPR3):c.1465G>A (p.Val489Met)

Gene: NPR3 (natriuretic peptide receptor 3; plus strand). Cytogenetic location: 5p13.3.
Variant type: single nucleotide variant.
Coding change: c.1465G>A on transcript NM_001204375.2 (MANE Select); coding-DNA position 1465, G replaced by A.
Protein change: p.Val489Met; replaces valine 489 with methionine.
Molecular consequence: missense variant.
Genome position (GRCh38, 1-based): chr5:32,784,834, G>A. VCF-style: chr5-32784834-G-A. GRCh37 (hg19) VCF-style: chr5-32784940-G-A.
Other names: c.1462G>A, p.Val488Met (NM_000908.4); c.814G>A, p.Val272Met (NM_001204376.2); c.817G>A, p.Val273Met (NM_001363652.2); c.745G>A, p.Val249Met (NM_001364458.2); c.694G>A, p.Val232Met (NM_001364460.2); short protein forms V488M, V273M, V272M, V489M, V232M, V249M.
Identifiers: ClinVar variation 1504583 (VCV001504583.8), dbSNP rs542365419, ClinGen allele CA3222681.
Genomic context (GRCh38, chr5:32,784,834, plus strand): 5'-TTATCCATGCTTCTTTTTCAAGCAGGTGGCCTAGAAGAATCGGCAGTGACAGGAATTGTC[G>A]TGGGGGCTTTACTAGGAGCTGGCTTGCTAATGGCCTTCTACTTTTTCAGGTGAGGACGGT-3'
Protein context (NP_001191304.1, residues 479-499): LEESAVTGIV[Val489Met]GALLGAGLLM

ClinVar aggregate classification (germline): Uncertain significance (1 of 4 stars; one submission).

Allele frequency attached by ClinVar (database versions not stated): gnomAD 0.00001 and 0.00002; ExAC 0.00002; gnomAD exomes 0.00002; 1000 Genomes Project 30x 0.00016; 1000 Genomes Project 0.00020.
gnomAD v4.1: 25 of 1,613,778 alleles (0.0015%); highest among the groups gnomAD compares: South Asian, 0.019%; no homozygotes.

Submission:

Labcorp Genetics (formerly Invitae), Labcorp
Classification: Uncertain significance. Last evaluated: 2022-06-20. Review status: criteria provided, single submitter. Criteria: Invitae Variant Classification Sherloc (09022015). Collection method: clinical testing. Allele origin: germline.
Comment: In summary, the available evidence is currently insufficient to determine the role of this variant in disease. Therefore, it has been classified as a Variant of Uncertain Significance. Algorithms developed to predict the effect of missense changes on protein structure and function are either unavailable or do not agree on the potential impact of this missense change (SIFT: "Deleterious"; PolyPhen-2: "Probably Damaging"; Align-GVGD: "Class C0"). This variant has not been reported in the literature in individuals affected with NPR3-related conditions. This variant is present in population databases (rs542365419, gnomAD 0.01%). This sequence change replaces valine, which is neutral and non-polar, with methionine, which is neutral and non-polar, at codon 488 of the NPR3 protein (p.Val488Met).